The following is an entry in ClinVar:

ClinVar aggregate classification (germline): Pathogenic (1 of 4 stars; one submission).

Conditions:
Hereditary nonpolyposis colorectal neoplasms. Identifiers: MedGen C0009405, MeSH D003123.

Submission:

Labcorp Genetics (formerly Invitae), Labcorp
Classification: Pathogenic for Hereditary nonpolyposis colorectal neoplasms. Last evaluated: 2022-11-25. Review status: criteria provided, single submitter. Criteria: Invitae Variant Classification Sherloc (09022015). Collection method: clinical testing. Allele origin: germline.
Comment: This variant has not been reported in the literature in individuals affected with PMS2-related conditions. The frequency data for this variant in the population databases (gnomAD) is considered unreliable due to the presence of homologous sequence, such as pseudogenes or paralogs, in the genome. This sequence change creates a premature translational stop signal (p.Lys670*) in the PMS2 gene. It is expected to result in an absent or disrupted protein product. Loss-of-function variants in PMS2 are known to be pathogenic (PMID: 21376568, 24362816). For these reasons, this variant has been classified as Pathogenic.

Literature cited by the submitters: PubMed 21376568; PubMed 24362816.

NM_000535.7(PMS2):c.2007dup (p.Lys670Ter)

Gene: PMS2 (PMS1 homolog 2, mismatch repair system component; minus strand). Cytogenetic location: 7p22.1.
Variant type: Duplication.
Coding change: c.2007dup on transcript NM_000535.7 (MANE Select); coding-DNA position 2007, one base duplicated (T; older notation c.2007dupT).
Protein change: p.Lys670Ter; replaces lysine 670 with a stop codon.
Molecular consequence: nonsense. On other transcripts: frameshift variant (1), non-coding transcript variant (1), intron variant (4).
Genome position (GRCh38, 1-based): chr7:5,982,991, A duplicated on the plus strand (T on the coding strand, the reverse complement: PMS2 is on the minus strand). VCF-style (leftmost placement, unchanged base first): chr7-5982990-T-TA. GRCh37 (hg19) VCF-style: chr7-6022621-T-TA.
Other names: c.1602dup, p.Lys535Ter (NM_001406897.1, NM_001406898.1, NM_001406899.1 and 14 more transcripts); c.1851dup, p.Lys618Ter (NM_001406870.1, NM_001322006.2); c.2007dup, p.Lys670Ter (NM_001406871.1, NM_001322014.2); c.1809dup, p.Lys604Ter (NM_001406873.1); c.1839dup, p.Lys614Ter (NM_001406874.1); c.1698dup, p.Lys567Ter (NM_001406875.1, NM_001406877.1, NM_001406878.1 and 5 more transcripts); c.1689dup, p.Lys564Ter (NM_001406876.1, NM_001322007.2, NM_001322008.2 and 1 more transcripts); c.1602dup, p.Lys535Terfs (NM_001018040.1); and 17 more; short protein forms K269*, K512*, K548*, K567*, K670*, K515*, K535*, K614*.
Identifiers: ClinVar variation 2816712 (VCV002816712.3), dbSNP rs2535556399, ClinGen allele CA2739266235.